The following is an entry in ClinVar:

ClinVar aggregate classification (germline): Likely benign. Review status: criteria provided, multiple submitters, no conflicts (2 of 4 stars). 3 submissions from 3 submitters: Likely benign (3). Last evaluated 2025-01-20.

Conditions:
Hereditary cancer-predisposing syndrome. Also called: Hereditary Cancer Syndrome; Hereditary neoplastic syndrome; Neoplastic Syndromes, Hereditary; Tumor predisposition. Identifiers: Orphanet 140162, MedGen C0027672, MeSH D009386, MONDO:0015356.

Allele frequency attached by ClinVar (database versions not stated): TOPMed 0.00001.

Submissions (3):

Labcorp Genetics (formerly Invitae), Labcorp
Classification: Likely benign. Last evaluated: 2025-01-20. Review status: criteria provided, single submitter. Criteria: Invitae Variant Classification Sherloc (09022015). Collection method: clinical testing. Allele origin: germline.

Ambry Genetics
Classification: Likely benign for Hereditary cancer-predisposing syndrome. Last evaluated: 2019-10-13. Review status: criteria provided, single submitter. Criteria: Ambry Variant Classification Scheme 2023. Collection method: clinical testing. Allele origin: germline.

GeneDx
Classification: Likely benign. Last evaluated: 2016-06-10. Review status: criteria provided, single submitter. Criteria: GeneDx Variant Classification (06012015). Collection method: clinical testing. Allele origin: germline. Affected: yes.
Comment: This variant is considered likely benign or benign based on one or more of the following criteria: it is a conservative change, it occurs at a poorly conserved position in the protein, it is predicted to be benign by multiple in silico algorithms, and/or has population frequency not consistent with disease.

NM_006231.4(POLE):c.6057T>C (p.Ala2019=)

Gene: POLE (DNA polymerase epsilon, catalytic subunit; minus strand). Cytogenetic location: 12q24.33.
Variant type: single nucleotide variant.
Coding change: c.6057T>C on transcript NM_006231.4 (MANE Select); coding-DNA position 6057, T replaced by C.
Protein change: p.Ala2019=; no amino-acid change (alanine 2019 retained).
Molecular consequence: synonymous variant.
Genome position (GRCh38, 1-based): chr12:132,632,743, A>G on the plus strand (T>C on the coding strand, the complement: POLE is on the minus strand). VCF-style: chr12-132632743-A-G. GRCh37 (hg19) VCF-style: chr12-133209329-A-G.
Identifiers: ClinVar variation 386939 (VCV000386939.12), dbSNP rs1057522647, ClinGen allele CA16606408.